The following is an entry in ClinVar:

NM_000517.6(HBA2):c.334G>A (p.Ala112Thr)

Genes: HBA2 (hemoglobin subunit alpha 2; plus strand), LOC106804612 (hemoglobin subunit alpha 2 recombination region; plus strand). Cytogenetic location: 16p13.3.
Variant type: single nucleotide variant.
Coding change: c.334G>A on transcript NM_000517.6 (MANE Select); coding-DNA position 334, G replaced by A.
Protein change: p.Ala112Thr; replaces alanine 112 with threonine.
Molecular consequence: missense variant.
Genome position (GRCh38, 1-based): chr16:173,505, G>A. VCF-style: chr16-173505-G-A. GRCh37 (hg19) VCF-style: chr16-223504-G-A.
Other names: short protein forms A112T.
Identifiers: ClinVar variation 4535778 (VCV004535778.1).

ClinVar aggregate classification (germline): Uncertain significance (1 of 4 stars; one submission).

gnomAD v4.1: 1 of 1,606,296 alleles (0.000062%); highest among the groups gnomAD compares: East Asian, 0.0022%; no homozygotes.

Submission:

Women's Health and Genetics/Laboratory Corporation of America, LabCorp
Classification: Uncertain significance. Last evaluated: 2025-09-04. Review status: criteria provided, single submitter. Criteria: LabCorp Variant Classification Summary - May 2015. Collection method: clinical testing. Allele origin: germline.
Comment: Variant summary: HBA2 c.334G>A (p.Ala112Thr), also reported as alpha 111(G18)Ala-->Thr and GCC>ACC(Hb Mosella), results in a non-conservative amino acid change in the encoded protein sequence. Algorithms developed to predict the effect of missense changes on protein structure and function are either unavailable or do not agree on the potential impact of this missense change. The variant was absent in 246972 control chromosomes. The available data on variant occurrences in the general population are insufficient to allow any conclusion about variant significance. c.334G>A has been observed in the presumed heterozygous state in at least 1 individual(s) affected with clinical features and/or suspicion of Alpha Thalassemia (Keikhaei_2018), without strong evidence for causality. These report(s) do not provide unequivocal conclusions about association of the variant with Alpha Thalassemia. To our knowledge, no experimental evidence demonstrating an impact on protein function has been reported. The following publications have been ascertained in the context of this evaluation (PMID: 29627922, 19500561, 25344691, 8537232). No submitters have cited clinical-significance assessments for this variant to ClinVar. Based on the evidence outlined above, the variant was classified as uncertain significance.

Literature cited by the submitters: PubMed 8537232; PubMed 25344691; PubMed 19500561; PubMed 29627922.